The following is an entry in ClinVar:

NM_000709.4(BCKDHA):c.648G>T (p.Ala216=)

Gene: BCKDHA (branched chain keto acid dehydrogenase E1 subunit alpha; plus strand). Cytogenetic location: 19q13.2.
Variant type: single nucleotide variant.
Coding change: c.648G>T on transcript NM_000709.4 (MANE Select); coding-DNA position 648, G replaced by T.
Protein change: p.Ala216=; no amino-acid change (alanine 216 retained).
Molecular consequence: synonymous variant.
Genome position (GRCh38, 1-based): chr19:41,422,165, G>T. VCF-style: chr19-41422165-G-T. GRCh37 (hg19) VCF-style: chr19-41928070-G-T.
Other names: c.648G>T, p.Ala216= (NM_001164783.2).
Identifiers: ClinVar variation 329364 (VCV000329364.63), dbSNP rs114716391, ClinGen allele CA9461231.

ClinVar aggregate classification (germline): Benign/Likely benign. Review status: criteria provided, multiple submitters, no conflicts (2 of 4 stars). 8 submissions from 8 submitters: Benign (5); Likely benign (2). 1 of the submissions does not count toward it. Last evaluated 2026-01-31.

Conditions:
Inborn genetic diseases. Identifiers: MedGen C0950123, MeSH D030342.
Maple syrup urine disease type 1A (MSUD1A). Also called: MSUD type 1A. Identifiers: MedGen C1855369, MONDO:0023691, OMIM 248600.
Maple syrup urine disease (MSUD). Identifiers: Orphanet 511, MedGen C0024776, MeSH D008375, MONDO:0009563. Disease mechanism: loss of function.

Allele frequency attached by ClinVar (database versions not stated): 1000 Genomes Project 0.00339; 1000 Genomes Project 30x 0.00344; ESP Exome Variant Server 0.00392; TOPMed 0.00426.
gnomAD v4.1: 1,107 of 1,613,218 alleles (0.069%); highest among the groups gnomAD compares: African/African-American, 1.3%; 9 homozygotes.

Submissions (8):

Labcorp Genetics (formerly Invitae), Labcorp
Classification: Benign for Maple syrup urine disease. Last evaluated: 2026-01-31. Review status: criteria provided, single submitter. Criteria: Invitae Variant Classification Sherloc (09022015). Collection method: clinical testing. Allele origin: germline.

Blueprint Genetics
Classification: Likely benign. Last evaluated: 2024-11-27. Review status: criteria provided, single submitter. Criteria: ACMG Guidelines, 2015. Collection method: clinical testing. Allele origin: germline.

Ambry Genetics
Classification: Likely benign for Inborn genetic diseases. Last evaluated: 2022-06-14. Review status: criteria provided, single submitter. Criteria: Ambry Variant Classification Scheme 2023. Collection method: clinical testing. Allele origin: germline.

GeneDx
Classification: Benign. Last evaluated: 2019-04-01. Review status: criteria provided, single submitter. Criteria: GeneDx Variant Classification Process June 2021. Collection method: clinical testing. Allele origin: germline. Affected: yes.

ARUP Laboratories, Molecular Genetics and Genomics, ARUP Laboratories
Classification: Benign. Last evaluated: 2018-01-22. Review status: criteria provided, single submitter. Criteria: ARUP Molecular Germline Variant Investigation Process. Collection method: clinical testing. Allele origin: germline.

Illumina Laboratory Services, Illumina
Classification: Benign for Maple syrup urine disease type 1A. Last evaluated: 2018-01-12. Review status: criteria provided, single submitter. Criteria: ICSL Variant Classification Criteria 13 December 2019. Collection method: clinical testing. Allele origin: germline.
Comment: This variant was observed in the ICSL laboratory as part of a predisposition screen in an ostensibly healthy population. It had not been previously curated by ICSL or reported in the Human Gene Mutation Database (HGMD: prior to June 1st, 2018), and was therefore a candidate for classification through an automated scoring system. Utilizing variant allele frequency, disease prevalence and penetrance estimates, and inheritance mode, an automated score was calculated to assess if this variant is too frequent to cause the disease. Based on the score and internal cut-off values, a variant classified as benign is not then subjected to further curation. The score for this variant resulted in a classification of benign for this disease.

Breakthrough Genomics
Classification: Benign. Review status: criteria provided, single submitter. Criteria: ACMG Guidelines, 2015. Collection method: not provided. Allele origin: germline. Inheritance: Autosomal recessive inheritance. Affected: yes.

Natera, Inc.
Classification: Benign for Maple syrup urine disease type 1A. Last evaluated: 2019-10-21. Review status: no assertion criteria provided. Collection method: clinical testing. Allele origin: germline. Not counted in ClinVar's aggregate classification.